The following is an entry in ClinVar:

NM_001318510.2(ACSL4):c.1993C>T (p.Arg665Ter)

Gene: ACSL4 (acyl-CoA synthetase long chain family member 4; minus strand). Cytogenetic location: Xq23.
Variant type: single nucleotide variant.
Coding change: c.1993C>T on transcript NM_001318510.2 (MANE Select); coding-DNA position 1993, C replaced by T.
Protein change: p.Arg665Ter; replaces arginine 665 with a stop codon.
Molecular consequence: nonsense.
Genome position (GRCh38, 1-based): chrX:109,644,049, G>A on the plus strand (C>T on the coding strand, the complement: ACSL4 is on the minus strand). VCF-style: chrX-109644049-G-A. GRCh37 (hg19) VCF-style: chrX-108887278-G-A.
Other names: c.1993C>T, p.Arg665Ter (NM_001437252.1, NM_001437253.1, NM_004458.3 and 2 more transcripts); c.2116C>T, p.Arg706Ter (NM_022977.3, NM_001318509.2, NM_001437245.1 and 2 more transcripts); short protein forms R665*, R706*.
Identifiers: ClinVar variation 5037192 (VCV005037192.1).

ClinVar aggregate classification (germline): Uncertain significance (1 of 4 stars; one submission).

gnomAD v4.1: 1 of 1,211,145 alleles (0.000083%); highest among the groups gnomAD compares: Non-Finnish European, 0.00011%; no homozygotes.

Submission:

GeneDx
Classification: Uncertain significance. Last evaluated: 2026-04-16. Review status: criteria provided, single submitter. Criteria: GeneDx Variant Classification Process June 2021. Collection method: clinical testing. Allele origin: germline.
Comment: Not observed at significant frequency in large population cohorts (gnomAD); Nonsense variant predicted to result in protein truncation as the last 6 amino acid(s) are lost; Has not been previously published as pathogenic or benign to our knowledge